The following is an entry in ClinVar:

ClinVar aggregate classification (germline): Uncertain significance (1 of 4 stars; one submission).

Conditions:
Neurodevelopmental disorder with hypotonia, stereotypic hand movements, and impaired language. Also called: Intellectual disability, autosomal dominant 20. Identifiers: Orphanet 228384, Orphanet 664410, MedGen C3150700, MONDO:0013266, OMIM 613443.

Submission:

Labcorp Genetics (formerly Invitae), Labcorp
Classification: Uncertain significance for Neurodevelopmental disorder with hypotonia, stereotypic hand movements, and impaired language. Last evaluated: 2023-08-24. Review status: criteria provided, single submitter. Criteria: Invitae Variant Classification Sherloc (09022015). Collection method: clinical testing. Allele origin: germline.
Comment: This sequence change replaces glycine, which is neutral and non-polar, with arginine, which is basic and polar, at codon 307 of the MEF2C protein (p.Gly307Arg). This variant is not present in population databases (gnomAD no frequency). This variant has not been reported in the literature in individuals affected with MEF2C-related conditions. ClinVar contains an entry for this variant (Variation ID: 1713731). Advanced modeling of protein sequence and biophysical properties (such as structural, functional, and spatial information, amino acid conservation, physicochemical variation, residue mobility, and thermodynamic stability) has been performed at Invitae for this missense variant, however the output from this modeling did not meet the statistical confidence thresholds required to predict the impact of this variant on MEF2C protein function. In summary, the available evidence is currently insufficient to determine the role of this variant in disease. Therefore, it has been classified as a Variant of Uncertain Significance.

NM_002397.5(MEF2C):c.919G>C (p.Gly307Arg)

Gene: MEF2C (myocyte enhancer factor 2C; minus strand). Cytogenetic location: 5q14.3.
Variant type: single nucleotide variant.
Coding change: c.919G>C on transcript NM_002397.5 (MANE Select); coding-DNA position 919, G replaced by C.
Protein change: p.Gly307Arg; replaces glycine 307 with arginine.
Molecular consequence: missense variant.
Genome position (GRCh38, 1-based): chr5:88,729,263, C>G on the plus strand (G>C on the coding strand, the complement: MEF2C is on the minus strand). VCF-style: chr5-88729263-C-G. GRCh37 (hg19) VCF-style: chr5-88025080-C-G.
Other names: c.889G>C, p.Gly297Arg (NM_001131005.2, NM_001364343.2, NM_001364352.2); c.949G>C, p.Gly317Arg (NM_001193347.1, NM_001364338.2); c.751G>C, p.Gly251Arg (NM_001193348.1); c.775G>C, p.Gly259Arg (NM_001193349.3, NM_001364344.2, NM_001364354.2 and 2 more transcripts); c.919G>C, p.Gly307Arg (NM_001193350.2, NM_001363581.2, NM_001364329.2 and 9 more transcripts); c.895G>C, p.Gly299Arg (NM_001308002.3, NM_001364342.2, NM_001364348.2 and 6 more transcripts); c.541G>C, p.Gly181Arg (NM_001364353.2, NM_001364356.2); c.469G>C, p.Gly157Arg (NM_001364357.2); short protein forms G157R, G181R, G251R, G259R, G297R, G299R, G307R, G317R.
Identifiers: ClinVar variation 1713731 (VCV001713731.6), dbSNP rs2546972386, ClinGen allele CA360422889.